The following is an entry in ClinVar:

ClinVar aggregate classification (germline): Likely pathogenic. Review status: criteria provided, single submitter (1 of 4 stars). 2 submissions from 2 submitters: Likely pathogenic (1). 1 of the submissions does not count toward it. Last evaluated 2020-03-19.

Conditions:
X-linked Alport syndrome (ATS1). Also called: COL4A5-Related Nephropathy; NEPHROPATHY AND DEAFNESS, X-LINKED. Identifiers: Orphanet 63, Orphanet 88917, MedGen C4746986, MONDO:0010520, OMIM 301050.

Submissions (2):

Labcorp Genetics (formerly Invitae), Labcorp
Classification: Likely pathogenic. Last evaluated: 2020-03-19. Review status: criteria provided, single submitter. Criteria: Invitae Variant Classification Sherloc (09022015). Collection method: clinical testing. Allele origin: germline.
Comment: In summary, the currently available evidence indicates that the variant is pathogenic, but additional data are needed to prove that conclusively. Therefore, this variant has been classified as Likely Pathogenic. This sequence change replaces glycine with aspartic acid at codon 236 of the COL4A5 protein (p.Gly236Asp). The glycine residue is highly conserved and there is a moderate physicochemical difference between glycine and aspartic acid. This variant is not present in population databases (ExAC no frequency). This variant has not been reported in the literature in individuals with COL4A5-related conditions. ClinVar contains an entry for this variant (Variation ID: 522498). Glycine residues within the Gly-Xaa-Yaa repeats of the triple helix domain are required for the structure and stability of fibrillar collagens (PMID: 7695699, 8218237, 19344236). In COL4A5, missense variants at these glycine residues are significantly enriched in individuals with disease (PMID: 23720012, 27627812) compared to the general population (ExAC).

Bioscientia Institut fuer Medizinische Diagnostik GmbH, Sonic Healthcare
Classification: Likely pathogenic for X-linked Alport syndrome. Last evaluated: 2017-09-27. Review status: no assertion criteria provided. Collection method: clinical testing. Allele origin: germline. Affected: yes. Not counted in ClinVar's aggregate classification.

Literature cited by the submitters: PubMed 7695699 (cited by Labcorp Genetics (formerly Invitae), Labcorp); PubMed 8218237 (cited by Labcorp Genetics (formerly Invitae), Labcorp); PubMed 19344236 (cited by Labcorp Genetics (formerly Invitae), Labcorp); PubMed 23720012 (cited by Labcorp Genetics (formerly Invitae), Labcorp); PubMed 27627812 (cited by Labcorp Genetics (formerly Invitae), Labcorp).

NM_033380.3(COL4A5):c.707G>A (p.Gly236Asp)

Gene: COL4A5 (collagen type IV alpha 5 chain; plus strand). Cytogenetic location: Xq22.3.
Variant type: single nucleotide variant.
Coding change: c.707G>A on transcript NM_033380.3 (MANE Select); coding-DNA position 707, G replaced by A.
Protein change: p.Gly236Asp; replaces glycine 236 with aspartic acid.
Molecular consequence: missense variant.
Genome position (GRCh38, 1-based): chrX:108,578,310, G>A. VCF-style: chrX-108578310-G-A. GRCh37 (hg19) VCF-style: chrX-107821540-G-A.
Other names: c.707G>A, p.Gly236Asp (NM_000495.5); short protein forms G236D.
Identifiers: ClinVar variation 522498 (VCV000522498.10), dbSNP rs1556406001, ClinGen allele CA413924126.
Genomic context (GRCh38, chrX:108,578,310, plus strand): 5'-TTATGAAGTATCACCACTGTCTTATTTTATCTTGCAAACAGGGTGAGCAAGGTCTTCAGG[G>A]CCCACCTGGGCCACCTGGGCAGATCAGTGAACAGAAAAGACCAATTGATGTAGAGTTTCA-3'
Protein context (NP_203699.1, residues 226-246): KGEKGEQGLQ[Gly236Asp]PPGPPGQISE